The following is an entry in ClinVar:

ClinVar aggregate classification (germline): Benign. Review status: criteria provided, multiple submitters, no conflicts (2 of 4 stars). 2 submissions from 2 submitters: Benign (2). Last evaluated 2018-06-14.

Allele frequency attached by ClinVar (database versions not stated): gnomAD exomes 0.16308; ESP Exome Variant Server 0.17201; gnomAD 0.18184 and 0.19273; TOPMed 0.19875; 1000 Genomes Project 30x 0.31449; 1000 Genomes Project 0.32468.
gnomAD v4.1: 160,601 of 953,364 alleles (17%); highest among the groups gnomAD compares: East Asian, 49%; 19,544 homozygotes.

Submissions (2):

GeneDx
Classification: Benign. Last evaluated: 2018-06-14. Review status: criteria provided, single submitter. Criteria: GeneDx Variant Classification (06012015). Collection method: clinical testing. Allele origin: germline. Affected: yes.
Comment: This variant is considered likely benign or benign based on one or more of the following criteria: it is a conservative change, it occurs at a poorly conserved position in the protein, it is predicted to be benign by multiple in silico algorithms, and/or has population frequency not consistent with disease.

Breakthrough Genomics
Classification: Benign. Review status: criteria provided, single submitter. Criteria: ACMG Guidelines, 2015. Collection method: not provided. Allele origin: germline. Inheritance: Autosomal recessive inheritance. Affected: yes.

NM_014317.5(PDSS1):c.227+58G>A

Gene: PDSS1 (decaprenyl diphosphate synthase subunit 1; plus strand). Cytogenetic location: 10p12.1.
Variant type: single nucleotide variant.
Coding change: c.227+58G>A on transcript NM_014317.5 (MANE Select); 58 bases into the intron after coding-DNA position 227, G replaced by A.
Molecular consequence: intron variant.
Genome position (GRCh38, 1-based): chr10:26,704,799, G>A. VCF-style: chr10-26704799-G-A. GRCh37 (hg19) VCF-style: chr10-26993728-G-A.
Other names: c.-367+58G>A (NM_001321979.2); c.227+58G>A (NM_001321978.2).
Identifiers: ClinVar variation 671640 (VCV000671640.2), dbSNP rs6482571, ClinGen allele CA13262078.